The following is an entry in ClinVar:

NM_139321.3(ATRN):c.1658T>C (p.Phe553Ser)

Gene: ATRN (attractin; plus strand). Cytogenetic location: 20p13.
Variant type: single nucleotide variant.
Coding change: c.1658T>C on transcript NM_139321.3 (MANE Select); coding-DNA position 1658, T replaced by C.
Protein change: p.Phe553Ser; replaces phenylalanine 553 with serine.
Molecular consequence: missense variant.
Genome position (GRCh38, 1-based): chr20:3,563,235, T>C. VCF-style: chr20-3563235-T-C. GRCh37 (hg19) VCF-style: chr20-3543882-T-C.
Other names: c.1310T>C, p.Phe437Ser (NM_001207047.3); c.1658T>C, p.Phe553Ser (NM_001323332.2, NM_139322.4); short protein forms F437S, F553S.
Identifiers: ClinVar variation 2004987 (VCV002004987.4), dbSNP rs2514529074, ClinGen allele CA408255163.

ClinVar aggregate classification (germline): Uncertain significance (1 of 4 stars; one submission).

Submission:

Labcorp Genetics (formerly Invitae), Labcorp
Classification: Uncertain significance. Last evaluated: 2026-01-19. Review status: criteria provided, single submitter. Criteria: Invitae Variant Classification Sherloc (09022015). Collection method: clinical testing. Allele origin: germline.
Comment: This sequence change replaces phenylalanine, which is neutral and non-polar, with serine, which is neutral and polar, at codon 553 of the ATRN protein (p.Phe553Ser). This variant is not present in population databases (gnomAD no frequency). This variant has not been reported in the literature in individuals affected with ATRN-related conditions. ClinVar contains an entry for this variant (Variation ID: 2004987). An algorithm developed to predict the effect of missense changes on protein structure and function (PolyPhen-2) suggests that this variant is likely to be tolerated. In summary, the available evidence is currently insufficient to determine the role of this variant in disease. Therefore, it has been classified as a Variant of Uncertain Significance.